The following is an entry in ClinVar:

ClinVar aggregate classification (germline): Uncertain significance. Review status: criteria provided, multiple submitters, no conflicts (2 of 4 stars). 2 submissions from 2 submitters: Uncertain significance (2). Last evaluated 2025-12-22.

Conditions:
Inborn genetic diseases. Identifiers: MedGen C0950123, MeSH D030342.

Allele frequency attached by ClinVar (database versions not stated): gnomAD exomes below 0.00001; TOPMed below 0.00001; ExAC 0.00001.
gnomAD v4.1: 1 of 1,614,098 alleles (0.000062%); highest among the groups gnomAD compares: Non-Finnish European, 0.000085%; no homozygotes.

Submissions (2):

Ambry Genetics
Classification: Uncertain significance for Inborn genetic diseases. Last evaluated: 2025-12-22. Review status: criteria provided, single submitter. Criteria: Ambry Variant Classification Scheme 2023. Collection method: clinical testing. Allele origin: germline.
Comment: The c.196C>T (p.L66F) alteration is located in exon 2 (coding exon 2) of the PFN1 gene. This alteration results from a C to T substitution at nucleotide position 196, causing the leucine (L) at amino acid position 66 to be replaced by a phenylalanine (F). Based on data from gnomAD, the T allele has an overall frequency of <0.001% (1/251324) total alleles studied. The highest observed frequency was 0.001% (1/113692) of European (non-Finnish) alleles. This amino acid position is highly conserved in available vertebrate species. This alteration is predicted to be deleterious by in silico analysis. Based on insufficient or conflicting evidence, the clinical significance of this alteration remains unclear.

Labcorp Genetics (formerly Invitae), Labcorp
Classification: Uncertain significance. Last evaluated: 2022-04-06. Review status: criteria provided, single submitter. Criteria: Invitae Variant Classification Sherloc (09022015). Collection method: clinical testing. Allele origin: germline.
Comment: This sequence change replaces leucine, which is neutral and non-polar, with phenylalanine, which is neutral and non-polar, at codon 66 of the PFN1 protein (p.Leu66Phe). This variant is present in population databases (rs764145549, gnomAD 0.0009%). This variant has not been reported in the literature in individuals affected with PFN1-related conditions. Algorithms developed to predict the effect of missense changes on protein structure and function are either unavailable or do not agree on the potential impact of this missense change (SIFT: "Deleterious"; PolyPhen-2: "Probably Damaging"; Align-GVGD: "Class C15"). In summary, the available evidence is currently insufficient to determine the role of this variant in disease. Therefore, it has been classified as a Variant of Uncertain Significance.

NM_005022.4(PFN1):c.196C>T (p.Leu66Phe)

Gene: PFN1 (profilin 1; minus strand). Cytogenetic location: 17p13.2.
Variant type: single nucleotide variant.
Coding change: c.196C>T on transcript NM_005022.4 (MANE Select); coding-DNA position 196, C replaced by T.
Protein change: p.Leu66Phe; replaces leucine 66 with phenylalanine.
Molecular consequence: missense variant.
Genome position (GRCh38, 1-based): chr17:4,946,757, G>A on the plus strand (C>T on the coding strand, the complement: PFN1 is on the minus strand). VCF-style: chr17-4946757-G-A. GRCh37 (hg19) VCF-style: chr17-4850052-G-A.
Other names: c.196C>T (NM_005022.2); c.196C>T, p.Leu66Phe (NM_001375991.1); short protein forms L66F.
Identifiers: ClinVar variation 1939923 (VCV001939923.6), dbSNP rs764145549, ClinGen allele CA8315945.
Genomic context (GRCh38, chr17:4,946,757, plus strand): 5'-TGCTAAATTCCCCATCCTGCAGCAGTGAGTCCCGGATCACCGAACATTTCTGGCCCCCAA[G>A]TGTCAGCCCATTCACGTAAAAACTTGACCGGTCTTTGCCAACCAGGACACCCACCTCAGC-3'
Protein context (NP_005013.1, residues 56-76): RSSFYVNGLT[Leu66Phe]GGQKCSVIRD